The following is an entry in ClinVar:

ClinVar aggregate classification (germline): Pathogenic. Review status: criteria provided, multiple submitters, no conflicts (2 of 4 stars). 5 submissions from 5 submitters: Pathogenic (4). 1 of the submissions does not count toward it. Last evaluated 2025-06-10.

Conditions:
Polycystic kidney disease 4 (PKD4). Also called: POLYCYSTIC KIDNEY DISEASE 4 WITH OR WITHOUT POLYCYSTIC LIVER DISEASE; Autosomal Recessive Polycystic Kidney Disease – PKHD1; POLYCYSTIC KIDNEY AND HEPATIC DISEASE 1; POLYCYSTIC KIDNEY DISEASE, INFANTILE, TYPE I; PKD3. Identifiers: MedGen C4540575, MONDO:0033004, OMIM 263200.
PKHD1-related disorder. Also called: PKHD1-related condition.
Autosomal recessive polycystic kidney disease (ARPKD). Also called: AR polycystic kidney disease. Identifiers: Orphanet 731, Orphanet 8378, MedGen C0085548, MeSH D017044, MONDO:0009889.

gnomAD v4.1: 1 of 1,611,304 alleles (0.000062%); highest among the groups gnomAD compares: Non-Finnish European, 0.000085%; no homozygotes.

Submissions (5):

Natera, Inc.
Classification: Pathogenic for Autosomal recessive polycystic kidney disease. Last evaluated: 2025-06-10. Review status: criteria provided, single submitter. Criteria: Natera Variant Classification Schema (03/2026). Collection method: clinical testing. Allele origin: germline.
Comment: The c.4417C>T variant in PKHD1 is a nonsense variant predicted to introduce a stop codon at amino acid 1473. This variant is expected to result in nonsense mediated decay, truncation, or a dysfunctional protein product. This variant is rare in the general population with a frequency below the threshold expected for the associated phenotype(s). This variant has been observed in one or more individuals affected with the associated recessive disease, as either homozygous or compound heterozygous with a second variant (PMID: 27225849). Given the available evidence, this variant is classified as Pathogenic.

Fulgent Genetics
Classification: Pathogenic for Polycystic kidney disease 4. Last evaluated: 2024-01-02. Review status: criteria provided, single submitter. Criteria: ACMG Guidelines, 2015. Collection method: clinical testing. Allele origin: germline.

Labcorp Genetics (formerly Invitae), Labcorp
Classification: Pathogenic for Autosomal recessive polycystic kidney disease. Last evaluated: 2022-05-22. Review status: criteria provided, single submitter. Criteria: Invitae Variant Classification Sherloc (09022015). Collection method: clinical testing. Allele origin: germline.
Comment: For these reasons, this variant has been classified as Pathogenic. ClinVar contains an entry for this variant (Variation ID: 556021). This premature translational stop signal has been observed in individual(s) with polycystic kidney disease (PMID: 27225849). This variant is not present in population databases (gnomAD no frequency). This sequence change creates a premature translational stop signal (p.Gln1473*) in the PKHD1 gene. It is expected to result in an absent or disrupted protein product. Loss-of-function variants in PKHD1 are known to be pathogenic (PMID: 19940839).

Blueprint Genetics
Classification: Pathogenic for PKHD1-related disorders. Last evaluated: 2021-11-01. Review status: criteria provided, single submitter. Criteria: ACMG Guidelines, 2015. Collection method: clinical testing. Allele origin: germline. Affected: yes. Observed: 3 variant alleles.

Counsyl
Classification: Pathogenic for Polycystic kidney disease 4. Last evaluated: 2018-01-08. Review status: no assertion criteria provided. Collection method: clinical testing. Allele origin: unknown. Not counted in ClinVar's aggregate classification.

Literature cited by the submitters: PubMed 27225849 (cited by 3 submitters); PubMed 19940839 (cited by Labcorp Genetics (formerly Invitae), Labcorp).

NM_138694.4(PKHD1):c.4417C>T (p.Gln1473Ter)

Gene: PKHD1 (PKHD1 ciliary IPT domain containing fibrocystin/polyductin; minus strand). Cytogenetic location: 6p12.2.
Variant type: single nucleotide variant.
Coding change: c.4417C>T on transcript NM_138694.4 (MANE Select); coding-DNA position 4417, C replaced by T.
Protein change: p.Gln1473Ter; replaces glutamine 1473 with a stop codon.
Molecular consequence: nonsense.
Genome position (GRCh38, 1-based): chr6:52,025,393, G>A on the plus strand (C>T on the coding strand, the complement: PKHD1 is on the minus strand). VCF-style: chr6-52025393-G-A. GRCh37 (hg19) VCF-style: chr6-51890191-G-A.
Other names: c.4417C>T, p.Gln1473Ter (NM_170724.3); short protein forms Q1473*.
Identifiers: ClinVar variation 556021 (VCV000556021.10), dbSNP rs1554198717, ClinGen allele CA364433310.
Genomic context (GRCh38, chr6:52,025,393, plus strand): 5'-TGGACAAGGCATCCATGACAGGACTTGCCTCTTCCCTTATGAAAAGAGTGCAATTCCCCT[G>A]ACACTCGCTGGTTAGCCCATTGACCAGGACTGTGACGTTCAGGGAGAAGGAAGCTCCAGG-3'